The following is an entry in ClinVar:

NM_004667.6(HERC2):c.7301C>T (p.Ala2434Val)

Gene: HERC2 (HECT and RLD domain containing E3 ubiquitin protein ligase 2; minus strand). Cytogenetic location: 15q13.1.
Variant type: single nucleotide variant.
Coding change: c.7301C>T on transcript NM_004667.6 (MANE Select); coding-DNA position 7301, C replaced by T.
Protein change: p.Ala2434Val; replaces alanine 2434 with valine.
Molecular consequence: missense variant.
Genome position (GRCh38, 1-based): chr15:28,202,526, G>A on the plus strand (C>T on the coding strand, the complement: HERC2 is on the minus strand). VCF-style: chr15-28202526-G-A. GRCh37 (hg19) VCF-style: chr15-28447672-G-A.
Other names: short protein forms A2434V.
Identifiers: ClinVar variation 4976175 (VCV004976175.1).
Genomic context (GRCh38, chr15:28,202,526, plus strand): 5'-GACTGCTTGCGCCTCTTCACTCTGGCAGGGCGGATGTGCTGCACGGCGACAGGCGTGGTG[G>A]CCTCACTGGAGCTGCAGTCTTCAAATCCTGGGCTCGAAGGGTGAGTGGACTCCACAGCCA-3'
Protein context (NP_004658.3, residues 2424-2444): PGFEDCSSSE[Ala2434Val]TTPVAVQHIR

ClinVar aggregate classification (germline): Uncertain significance (1 of 4 stars; one submission).

Submission:

GeneDx
Classification: Uncertain significance. Last evaluated: 2026-02-06. Review status: criteria provided, single submitter. Criteria: GeneDx Variant Classification Process June 2021. Collection method: clinical testing. Allele origin: germline.
Comment: Not observed at significant frequency in large population cohorts (gnomAD); In silico analysis suggests that this missense variant does not alter protein structure/function; Has not been previously published as pathogenic or benign to our knowledge